The following is an entry in ClinVar:

ClinVar aggregate classification (germline): Uncertain significance. Review status: criteria provided, multiple submitters, no conflicts (2 of 4 stars). 3 submissions from 3 submitters: Uncertain significance (3). Last evaluated 2026-02-16.

Conditions:
Lymphatic malformation 9. Identifiers: MedGen C5543365, MONDO:0030270, OMIM 619319.

Allele frequency attached by ClinVar (database versions not stated): 1000 Genomes Project 30x 0.00016; ExAC 0.00018; TOPMed 0.00021; ESP Exome Variant Server 0.00023; gnomAD 0.00031; gnomAD exomes 0.00034.
gnomAD v4.1: 536 of 1,612,452 alleles (0.033%); highest among the groups gnomAD compares: Non-Finnish European, 0.044%; no homozygotes.

Submissions (3):

Clinical Genomics Laboratory, Washington University in St. Louis
Classification: Uncertain significance for Lymphatic malformation 9. Last evaluated: 2026-02-16. Review status: criteria provided, single submitter. Criteria: ACMG Guidelines, 2015. Collection method: clinical testing. Allele origin: germline.
Comment: A CELSR1 c.4036G>A (p.Gly1346Ser) variant was identified at a near heterozygous allelic fraction of 48.1%, a frequency which may be consistent with germline origin. This variant, to our knowledge, has not been reported in the medical literature but has been reported as a germline variant of uncertain significance in the ClinVar database by two submitters (ClinVar Variation ID: 2505001). It is observed on 536/1,612,452 alleles in the general population (gnomAD v4.1.0). Computational predictors are uncertain as to the impact of this variant on CELSR1 function. Due to limited information, and based on ACMG/AMP guidelines for variant interpretation (Richards S et al., PMID: 25741868), the clinical significance of this variant is uncertain at this time.

Ambry Genetics
Classification: Uncertain significance. Last evaluated: 2025-08-05. Review status: criteria provided, single submitter. Criteria: Ambry Variant Classification Scheme 2023. Collection method: clinical testing. Allele origin: germline.

GeneDx
Classification: Uncertain significance. Last evaluated: 2022-12-07. Review status: criteria provided, single submitter. Criteria: GeneDx Variant Classification Process June 2021. Collection method: clinical testing. Allele origin: germline. Affected: yes.
Comment: In silico analysis supports that this missense variant has a deleterious effect on protein structure/function; Has not been previously published as pathogenic or benign to our knowledge

NM_001378328.1(CELSR1):c.4036G>A (p.Gly1346Ser)

Genes: CELSR1 (cadherin EGF LAG seven-pass G-type receptor 1; minus strand), LOC126863170 (CDK7 strongly-dependent group 2 enhancer GRCh37_chr22:46858535-46859734; plus strand). Cytogenetic location: 22q13.31.
Variant type: single nucleotide variant.
Coding change: c.4036G>A on transcript NM_001378328.1 (MANE Select); coding-DNA position 4036, G replaced by A.
Protein change: p.Gly1346Ser; replaces glycine 1346 with serine.
Molecular consequence: missense variant.
Genome position (GRCh38, 1-based): chr22:46,463,854, C>T on the plus strand (G>A on the coding strand, the complement: CELSR1 is on the minus strand). VCF-style: chr22-46463854-C-T. GRCh37 (hg19) VCF-style: chr22-46859751-C-T.
Other names: c.4036G>A, p.Gly1346Ser (NM_014246.4); short protein forms G1346S.
Identifiers: ClinVar variation 2505001 (VCV002505001.5), dbSNP rs146506652, ClinGen allele CA10294842.